The following is an entry in ClinVar:

NM_000541.5(SAG):c.135G>A (p.Val45=)

Gene: SAG (S-antigen visual arrestin; plus strand). Cytogenetic location: 2q37.1.
Variant type: single nucleotide variant.
Coding change: c.135G>A on transcript NM_000541.5 (MANE Select); coding-DNA position 135, G replaced by A.
Protein change: p.Val45=; no amino-acid change (valine 45 retained).
Molecular consequence: synonymous variant.
Genome position (GRCh38, 1-based): chr2:233,316,134, G>A. VCF-style: chr2-233316134-G-A. GRCh37 (hg19) VCF-style: chr2-234224780-G-A.
Identifiers: ClinVar variation 2122500 (VCV002122500.4), dbSNP rs1700212571, ClinGen allele CA431821881.

ClinVar aggregate classification (germline): Uncertain significance (1 of 4 stars; one submission).

Allele frequency attached by ClinVar (database versions not stated): TOPMed below 0.00001.

Submission:

Labcorp Genetics (formerly Invitae), Labcorp
Classification: Uncertain significance. Last evaluated: 2022-04-07. Review status: criteria provided, single submitter. Criteria: Invitae Variant Classification Sherloc (09022015). Collection method: clinical testing. Allele origin: germline.
Comment: In summary, the available evidence is currently insufficient to determine the role of this variant in disease. Therefore, it has been classified as a Variant of Uncertain Significance. Algorithms developed to predict the effect of sequence changes on RNA splicing suggest that this variant is not likely to affect RNA splicing. This variant has not been reported in the literature in individuals affected with SAG-related conditions. This variant is not present in population databases (gnomAD no frequency). This sequence change affects codon 45 of the SAG mRNA. It is a 'silent' change, meaning that it does not change the encoded amino acid sequence of the SAG protein. It affects a nucleotide within the consensus splice site.